The following is an entry in ClinVar:

ClinVar aggregate classification (germline): Uncertain significance. Review status: criteria provided, multiple submitters, no conflicts (2 of 4 stars). 3 submissions from 3 submitters: Uncertain significance (3). Last evaluated 2025-12-16.

Conditions:
Inborn genetic diseases. Identifiers: MedGen C0950123, MeSH D030342.

Allele frequency attached by ClinVar (database versions not stated): gnomAD 0.00001; gnomAD exomes 0.00001 and 0.00002; TOPMed 0.00001; ExAC 0.00002.
gnomAD v4.1: 19 of 1,614,050 alleles (0.0012%); highest among the groups gnomAD compares: South Asian, 0.0022%; no homozygotes.

Submissions (3):

Ambry Genetics
Classification: Uncertain significance for Inborn genetic diseases. Last evaluated: 2025-12-16. Review status: criteria provided, single submitter. Criteria: Ambry Variant Classification Scheme 2023. Collection method: clinical testing. Allele origin: germline.

Labcorp Genetics (formerly Invitae), Labcorp
Classification: Uncertain significance. Last evaluated: 2025-06-09. Review status: criteria provided, single submitter. Criteria: Invitae Variant Classification Sherloc (09022015). Collection method: clinical testing. Allele origin: germline.
Comment: This sequence change replaces glutamic acid, which is acidic and polar, with lysine, which is basic and polar, at codon 1585 of the MYH3 protein (p.Glu1585Lys). This variant is present in population databases (rs747340969, gnomAD 0.01%). This variant has not been reported in the literature in individuals affected with MYH3-related conditions. ClinVar contains an entry for this variant (Variation ID: 1345441). Invitae Evidence Modeling of protein sequence and biophysical properties (such as structural, functional, and spatial information, amino acid conservation, physicochemical variation, residue mobility, and thermodynamic stability) indicates that this missense variant is not expected to disrupt MYH3 protein function with a negative predictive value of 95%. In summary, the available evidence is currently insufficient to determine the role of this variant in disease. Therefore, it has been classified as a Variant of Uncertain Significance.

GeneDx
Classification: Uncertain significance. Last evaluated: 2024-10-10. Review status: criteria provided, single submitter. Criteria: GeneDx Variant Classification Process June 2021. Collection method: clinical testing. Allele origin: germline. Affected: yes.
Comment: In silico analysis supports that this missense variant has a deleterious effect on protein structure/function; Has not been previously published as pathogenic or benign to our knowledge

NM_002470.4(MYH3):c.4753G>A (p.Glu1585Lys)

Gene: MYH3 (myosin heavy chain 3; minus strand). Cytogenetic location: 17p13.1.
Variant type: single nucleotide variant.
Coding change: c.4753G>A on transcript NM_002470.4 (MANE Select); coding-DNA position 4753, G replaced by A.
Protein change: p.Glu1585Lys; replaces glutamic acid 1585 with lysine.
Molecular consequence: missense variant.
Genome position (GRCh38, 1-based): chr17:10,632,679, C>T on the plus strand (G>A on the coding strand, the complement: MYH3 is on the minus strand). VCF-style: chr17-10632679-C-T. GRCh37 (hg19) VCF-style: chr17-10535996-C-T.
Other names: c.4753G>A (NM_002470.3); short protein forms E1585K.
Identifiers: ClinVar variation 1345441 (VCV001345441.8), dbSNP rs747340969, ClinGen allele CA8392134.